The following is an entry in ClinVar:

NM_004700.4(KCNQ4):c.946-2A>C

Gene: KCNQ4 (potassium voltage-gated channel subfamily Q member 4; plus strand). Cytogenetic location: 1p34.2.
Variant type: single nucleotide variant.
Coding change: c.946-2A>C on transcript NM_004700.4 (MANE Select); the canonical splice acceptor site of the intron before coding-DNA position 946, A replaced by C.
Molecular consequence: splice acceptor variant.
Genome position (GRCh38, 1-based): chr1:40,820,163, A>C. VCF-style: chr1-40820163-A-C. GRCh37 (hg19) VCF-style: chr1-41285835-A-C.
Other names: c.946-2A>C (NM_172163.3).
Identifiers: ClinVar variation 4530728 (VCV004530728.1).
Genomic context (GRCh38, chr1:40,820,163, plus strand): 5'-TGCAGCCTCTTACTGCCCCACCACTGCCAGCACATTCCCCCAACCATGCCCTATCCCTCT[A>C]GGGCATCCTAGGCTCCGGCTTTGCCCTGAAGGTCCAGGAGCAGCACCGGCAGAAGCACTT-3'

ClinVar aggregate classification (germline): Uncertain significance (1 of 4 stars; one submission).

Submission:

GeneDx
Classification: Uncertain significance. Last evaluated: 2025-05-22. Review status: criteria provided, single submitter. Criteria: GeneDx Variant Classification Process June 2021. Collection method: clinical testing. Allele origin: germline. Affected: yes.
Comment: Not observed at significant frequency in large population cohorts (gnomAD); Has not been previously published as pathogenic or benign to our knowledge; Canonical splice site variant in a gene for which loss-of-function is not a known mechanism of disease